The following is an entry in ClinVar:

ClinVar aggregate classification (germline): Likely benign. Review status: criteria provided, multiple submitters, no conflicts (2 of 4 stars). 3 submissions from 3 submitters: Likely benign (3). Last evaluated 2025-08-15.

Conditions:
Ehlers-Danlos syndrome, classic type, 1 (EDSCL1). Also called: Ehlers-Danlos syndrome, type 1; Ehlers-Danlos Syndrome, Classic Type, COL5A1-Related; EDS I; EHLERS-DANLOS SYNDROME, GRAVIS TYPE; EHLERS-DANLOS SYNDROME, SEVERE CLASSIC TYPE. Identifiers: MedGen C0268335, MONDO:0019567, OMIM 130000.
Osteogenesis imperfecta type I (OI1). Also called: Lobstein disease; Lobstein's Disease; Classic Non-deforming Osteogenesis Imperfecta with Blue Sclerae; OI, TYPE I; OSTEOGENESIS IMPERFECTA TARDA; OSTEOGENESIS IMPERFECTA WITH BLUE SCLERAE. Identifiers: Orphanet 216796, Orphanet 666, MedGen C0023931, MONDO:0008146, OMIM 166200. Disease mechanism: loss of function.

Allele frequency attached by ClinVar (database versions not stated): gnomAD exomes below 0.00001 and 0.00001; ExAC 0.00001; gnomAD 0.00001; TOPMed 0.00002.
gnomAD v4.1: 7 of 1,614,046 alleles (0.00043%); highest among the groups gnomAD compares: Admixed American, 0.0083%; no homozygotes.

Submissions (3):

Mayo Clinic Laboratories, Mayo Clinic
Classification: Likely benign. Last evaluated: 2025-08-15. Review status: criteria provided, single submitter. Criteria: ACMG Guidelines, 2015. Collection method: clinical testing. Allele origin: germline. Observed: 1 variant allele.
Comment: BP4, BP7

Labcorp Genetics (formerly Invitae), Labcorp
Classification: Likely benign for Osteogenesis imperfecta type I; Ehlers-Danlos syndrome, classic type, 1. Last evaluated: 2024-04-16. Review status: criteria provided, single submitter. Criteria: Invitae Variant Classification Sherloc (09022015). Collection method: clinical testing. Allele origin: germline.

Blueprint Genetics
Classification: Likely benign. Last evaluated: 2024-04-12. Review status: criteria provided, single submitter. Criteria: ACMG Guidelines, 2015. Collection method: clinical testing. Allele origin: germline.

NM_000089.4(COL1A2):c.2187+8T>C

Gene: COL1A2 (collagen type I alpha 2 chain; plus strand). Cytogenetic location: 7q21.3.
Variant type: single nucleotide variant.
Coding change: c.2187+8T>C on transcript NM_000089.4 (MANE Select); 8 bases into the intron after coding-DNA position 2187, T replaced by C.
Molecular consequence: intron variant.
Genome position (GRCh38, 1-based): chr7:94,420,452, T>C. VCF-style: chr7-94420452-T-C. GRCh37 (hg19) VCF-style: chr7-94049764-T-C.
Other names: p.?.
Identifiers: ClinVar variation 1611218 (VCV001611218.10), dbSNP rs763816519, ClinGen allele CA4347344.